The following is an entry in ClinVar:

ClinVar aggregate classification (germline): Uncertain significance (1 of 4 stars; one submission).

Conditions:
Amyotrophic lateral sclerosis type 1 (ALS1). Also called: AMYOTROPHIC LATERAL SCLEROSIS 1, FAMILIAL. Identifiers: Orphanet 803, MedGen C1862939, MONDO:0007103, OMIM 105400.
Neuronopathy, distal hereditary motor, type 7B. Also called: HMN VIIB; LOWER MOTOR NEURON DISEASE, DYNACTIN TYPE; NEURONOPATHY, DISTAL HEREDITARY MOTOR, AUTOSOMAL DOMINANT 14; NEURONOPATHY, DISTAL HEREDITARY MOTOR, HARDING TYPE VIIB; NEUROPATHY, DISTAL HEREDITARY MOTOR, HARDING TYPE VIIB; NEUROPATHY, DISTAL HEREDITARY MOTOR, WITH VOCAL CORD PARALYSIS, HARDING TYPE VIIB. Identifiers: Orphanet 139589, MedGen C1843315, MONDO:0011879, OMIM 607641.
Perry syndrome. Also called: PARKINSONISM WITH ALVEOLAR HYPOVENTILATION AND MENTAL DEPRESSION. Identifiers: Orphanet 178509, MedGen C1868594, MONDO:0008201, OMIM 168605.

gnomAD v4.1: 1 of 1,611,276 alleles (0.000062%); highest among the groups gnomAD compares: Non-Finnish European, 0.000085%; no homozygotes.

Submission:

Labcorp Genetics (formerly Invitae), Labcorp
Classification: Uncertain significance for Amyotrophic lateral sclerosis type 1; Neuronopathy, distal hereditary motor, type 7B; Perry syndrome. Last evaluated: 2025-01-08. Review status: criteria provided, single submitter. Criteria: Invitae Variant Classification Sherloc (09022015). Collection method: clinical testing. Allele origin: germline.
Comment: This sequence change falls in intron 13 of the DCTN1 gene. It does not directly change the encoded amino acid sequence of the DCTN1 protein. This variant is not present in population databases (gnomAD no frequency). This variant has not been reported in the literature in individuals affected with DCTN1-related conditions. Algorithms developed to predict the effect of sequence changes on RNA splicing suggest that this variant may disrupt the consensus splice site. In summary, the available evidence is currently insufficient to determine the role of this variant in disease. Therefore, it has been classified as a Variant of Uncertain Significance.

NM_004082.5(DCTN1):c.1393-10G>A

Gene: DCTN1 (dynactin subunit 1; minus strand). Cytogenetic location: 2p13.1.
Variant type: single nucleotide variant.
Coding change: c.1393-10G>A on transcript NM_004082.5 (MANE Select); 10 bases into the intron before coding-DNA position 1393, G replaced by A.
Molecular consequence: intron variant.
Genome position (GRCh38, 1-based): chr2:74,369,501, C>T on the plus strand (G>A on the coding strand, the complement: DCTN1 is on the minus strand). VCF-style: chr2-74369501-C-T. GRCh37 (hg19) VCF-style: chr2-74596628-C-T.
Other names: c.1282-10G>A (NM_001190836.2); c.1324-10G>A (NM_001378992.1); c.1342-10G>A (NM_001378991.1); c.1333-10G>A (NM_001135040.3); c.1372-10G>A (NM_001190837.2); c.991-10G>A (NM_001135041.3, NM_023019.4).
Identifiers: ClinVar variation 3751615 (VCV003751615.2).